The following is an entry in ClinVar:

ClinVar aggregate classification (germline): Likely benign (1 of 4 stars; one submission).

Allele frequency attached by ClinVar (database versions not stated): 1000 Genomes Project 30x 0.00094; 1000 Genomes Project 0.00100; TOPMed 0.00239; gnomAD 0.00310 and 0.00322; gnomAD exomes 0.00375.
gnomAD v4.1: 2,278 of 643,752 alleles (0.35%); highest among the groups gnomAD compares: Non-Finnish European, 0.43%; 9 homozygotes.

Submission:

GeneDx
Classification: Likely benign. Last evaluated: 2018-06-12. Review status: criteria provided, single submitter. Criteria: GeneDx Variant Classification (06012015). Collection method: clinical testing. Allele origin: germline. Affected: yes.
Comment: This variant is considered likely benign or benign based on one or more of the following criteria: it is a conservative change, it occurs at a poorly conserved position in the protein, it is predicted to be benign by multiple in silico algorithms, and/or has population frequency not consistent with disease.

NM_000038.6(APC):c.422+148T>C

Gene: APC (APC regulator of WNT signaling pathway; plus strand). Cytogenetic location: 5q22.2.
Variant type: single nucleotide variant.
Coding change: c.422+148T>C on transcript NM_000038.6 (MANE Select); 148 bases into the intron after coding-DNA position 422, T replaced by C.
Molecular consequence: intron variant.
Genome position (GRCh38, 1-based): chr5:112,767,538, T>C. VCF-style: chr5-112767538-T-C. GRCh37 (hg19) VCF-style: chr5-112103235-T-C.
Other names: c.422+148T>C (NM_001354895.2, NM_001127510.3, NM_001354896.2 and 2 more transcripts); c.452+148T>C (NM_001354897.2, NM_001354902.2, NM_001127511.3); c.347+148T>C (NM_001354898.2, NM_001354904.2); c.-614+148T>C (NM_001354906.2); c.245+148T>C (NM_001354900.2, NM_001354901.2, NM_001354905.2).
Identifiers: ClinVar variation 676534 (VCV000676534.1), dbSNP rs183701336, ClinGen allele CA124975821.